The following is an entry in ClinVar:

ClinVar aggregate classification (germline): Likely benign. Review status: criteria provided, multiple submitters, no conflicts (2 of 4 stars). 3 submissions from 3 submitters: Likely benign (3). Last evaluated 2025-03-01.

Allele frequency attached by ClinVar (database versions not stated): gnomAD 0.00021 and 0.00024; gnomAD exomes 0.00021 and 0.00053; ESP Exome Variant Server 0.00023; TOPMed 0.00026; ExAC 0.00041.
gnomAD v4.1: 372 of 1,612,828 alleles (0.023%); highest among the groups gnomAD compares: Non-Finnish European, 0.005%; 3 homozygotes.

Submissions (3):

CeGaT Center for Human Genetics Tuebingen
Classification: Likely benign. Last evaluated: 2025-03-01. Review status: criteria provided, single submitter. Criteria: CeGaT Center For Human Genetics Tuebingen Variant Classification Criteria Version 2. Collection method: clinical testing. Allele origin: germline. Affected: yes. Observed: 1 variant allele.
Comment: ZNHIT3: BP4, BP7

Blueprint Genetics
Classification: Likely benign. Last evaluated: 2024-10-23. Review status: criteria provided, single submitter. Criteria: ACMG Guidelines, 2015. Collection method: clinical testing. Allele origin: germline.

Labcorp Genetics (formerly Invitae), Labcorp
Classification: Likely benign. Last evaluated: 2019-12-31. Review status: criteria provided, single submitter. Criteria: Invitae Variant Classification Sherloc (09022015). Collection method: clinical testing. Allele origin: germline.

NM_004773.4(ZNHIT3):c.213T>C (p.Asp71=)

Gene: ZNHIT3 (zinc finger HIT-type containing 3; plus strand). Cytogenetic location: 17q12.
Variant type: single nucleotide variant.
Coding change: c.213T>C on transcript NM_004773.4 (MANE Select); coding-DNA position 213, T replaced by C.
Protein change: p.Asp71=; no amino-acid change (aspartic acid 71 retained).
Molecular consequence: synonymous variant. On other transcripts: non-coding transcript variant (3), intron variant (2).
Genome position (GRCh38, 1-based): chr17:36,493,933, T>C. VCF-style: chr17-36493933-T-C. GRCh37 (hg19) VCF-style: chr17-34849777-T-C.
Other names: c.213T>C, p.Asp71= (NM_001281432.2); c.206-27T>C (NM_001281433.2); c.119-1290T>C (NM_001281434.2).
Identifiers: ClinVar variation 726269 (VCV000726269.12), dbSNP rs147606592, ClinGen allele CA289923998.
Genomic context (GRCh38, chr17:36,493,933, plus strand): 5'-GTGCCCAGGCCTCCTTTTTAGCCATGAGCCATTGACTGTTTTGTATTCCTTAGATGATGA[T>C]GACTCTATAGCTGATTTTCTCAATAGTGATGAGGAAGAAGACAGAGTTTCTTTGCAGAAT-3'
Protein context (NP_004764.1, residues 61-81): TVKPVENKDD[Asp71=]DSIADFLNSD